The following is an entry in ClinVar:

NM_002692.4(POLE2):c.1300A>T (p.Asn434Tyr)

Gene: POLE2 (DNA polymerase epsilon 2, accessory subunit; minus strand). Cytogenetic location: 14q21.3.
Variant type: single nucleotide variant.
Coding change: c.1300A>T on transcript NM_002692.4 (MANE Select); coding-DNA position 1300, A replaced by T.
Protein change: p.Asn434Tyr; replaces asparagine 434 with tyrosine.
Molecular consequence: missense variant.
Genome position (GRCh38, 1-based): chr14:49,651,289, T>A on the plus strand (A>T on the coding strand, the complement: POLE2 is on the minus strand). VCF-style: chr14-49651289-T-A. GRCh37 (hg19) VCF-style: chr14-50118007-T-A.
Other names: c.1222A>T, p.Asn408Tyr (NM_001197330.2); c.1300A>T, p.Asn434Tyr (NM_001197331.3); c.1297A>T, p.Asn433Tyr (NM_001348384.2); c.1069A>T, p.Asn357Tyr (NM_001348385.2); short protein forms N408Y, N433Y, N357Y, N434Y.
Identifiers: ClinVar variation 4736338 (VCV004736338.1).

ClinVar aggregate classification (germline): Uncertain significance (1 of 4 stars; one submission).

Submission:

Labcorp Genetics (formerly Invitae), Labcorp
Classification: Uncertain significance. Last evaluated: 2026-02-01. Review status: criteria provided, single submitter. Criteria: Invitae Variant Classification Sherloc (09022015). Collection method: clinical testing. Allele origin: germline.
Comment: This sequence change replaces asparagine, which is neutral and polar, with tyrosine, which is neutral and polar, at codon 434 of the POLE2 protein (p.Asn434Tyr). This variant is not present in population databases (gnomAD no frequency). This variant has not been reported in the literature in individuals affected with POLE2-related conditions. An algorithm developed to predict the effect of missense changes on protein structure and function (PolyPhen-2) suggests that this variant is likely to be disruptive. In summary, the available evidence is currently insufficient to determine the role of this variant in disease. Therefore, it has been classified as a Variant of Uncertain Significance.